The following is an entry in ClinVar:

NM_033056.4(PCDH15):c.5023C>G (p.Pro1675Ala)

Gene: PCDH15 (protocadherin related 15; minus strand). Cytogenetic location: 10q21.1.
Variant type: single nucleotide variant.
Coding change: c.5023C>G on transcript NM_033056.4 (MANE Plus Clinical); coding-DNA position 5023, C replaced by G.
Protein change: p.Pro1675Ala; replaces proline 1675 with alanine.
Molecular consequence: missense variant. On other transcripts: intron variant (8).
Genome position (GRCh38, 1-based): chr10:53,822,703, G>C on the plus strand (C>G on the coding strand, the complement: PCDH15 is on the minus strand). VCF-style: chr10-53822703-G-C. GRCh37 (hg19) VCF-style: chr10-55582463-G-C.
Other names: c.5044C>G, p.Pro1682Ala (NM_001142763.2); c.5029C>G, p.Pro1677Ala (NM_001142764.2); c.4816C>G, p.Pro1606Ala (NM_001142765.2); c.5014C>G, p.Pro1672Ala (NM_001142766.2); c.4903C>G, p.Pro1635Ala (NM_001142767.2); c.4963C>G, p.Pro1655Ala (NM_001142768.2); c.4954C>G, p.Pro1652Ala (NM_001142773.2); c.4957C>G, p.Pro1653Ala (NM_001354404.2); and 6 more; short protein forms P1606A, P1635A, P1652A, P1653A, P1655A, P1672A, P1675A, P1677A.
Identifiers: ClinVar variation 2630918 (VCV002630918.1), dbSNP rs375530884, ClinGen allele CA207219816.

ClinVar aggregate classification (germline): Uncertain significance (1 of 4 stars; one submission).

Conditions:
PCDH15-related disorder. Also called: PCDH15-related disorders; PCDH15-related condition.

Allele frequency attached by ClinVar (database versions not stated): gnomAD 0.00001; TOPMed 0.00001; ESP Exome Variant Server 0.00008.
gnomAD v4.1: 1 of 1,613,936 alleles (0.000062%); highest among the groups gnomAD compares: African/African-American, 0.0013%; no homozygotes.

Submission:

PreventionGenetics, part of Exact Sciences
Classification: Uncertain significance for PCDH15-related condition. Last evaluated: 2023-09-06. Review status: criteria provided, single submitter. Criteria: ACMG Guidelines, 2015. Collection method: clinical testing. Allele origin: germline.
Comment: The PCDH15 c.5023C>G variant is predicted to result in the amino acid substitution p.Pro1675Ala. To our knowledge, this variant has not been reported in the literature or in a large population database, indicating this variant is rare. At this time, the clinical significance of this variant is uncertain due to the absence of conclusive functional and genetic evidence.